The following is an entry in ClinVar:

NM_144566.3(ZNF700):c.1182A>G (p.Gln394=)

Genes: ZNF69 (zinc finger protein 69; plus strand), ZNF700 (zinc finger protein 700; plus strand). Cytogenetic location: 19p13.2.
Variant type: single nucleotide variant.
Coding change: c.1182A>G on transcript NM_144566.3 (MANE Select); coding-DNA position 1182, A replaced by G.
Protein change: p.Gln394=; no amino-acid change (glutamine 394 retained).
Molecular consequence: synonymous variant.
Genome position (GRCh38, 1-based): chr19:11,949,206, A>G. VCF-style: chr19-11949206-A-G. GRCh37 (hg19) VCF-style: chr19-12060021-A-G.
Other names: c.1191A>G, p.Gln397= (NM_001271848.2).
Identifiers: ClinVar variation 2649338 (VCV002649338.24), dbSNP rs112985154, ClinGen allele CA9218520.

ClinVar aggregate classification (germline): Likely benign (1 of 4 stars; one submission).

Allele frequency attached by ClinVar (database versions not stated): 1000 Genomes Project 30x 0.00031; 1000 Genomes Project 0.00040; gnomAD 0.00101; ExAC 0.00106; TOPMed 0.00106; ESP Exome Variant Server 0.00123; gnomAD exomes 0.00178.
gnomAD v4.1: 2,715 of 1,613,688 alleles (0.17%); highest among the groups gnomAD compares: Non-Finnish European, 0.21%; 3 homozygotes.

Submission:

CeGaT Center for Human Genetics Tuebingen
Classification: Likely benign. Last evaluated: 2023-03-01. Review status: criteria provided, single submitter. Criteria: CeGaT Center For Human Genetics Tuebingen Variant Classification Criteria Version 2. Collection method: clinical testing. Allele origin: germline. Affected: yes. Observed: 1 variant allele.
Comment: ZNF700: BP4, BP7